The following is an entry in ClinVar:

ClinVar aggregate classification (germline): Benign (0 of 4 stars; one submission).

Conditions:
UACA-related disorder. Also called: UACA-related condition.

Allele frequency attached by ClinVar (database versions not stated): gnomAD exomes 0.00157; ExAC 0.00524; 1000 Genomes Project 0.01498; ESP Exome Variant Server 0.01509; gnomAD 0.01584; 1000 Genomes Project 30x 0.01593; TOPMed 0.01726.
gnomAD v4.1: 4,763 of 1,613,292 alleles (0.3%); highest among the groups gnomAD compares: African/African-American, 5.6%; 121 homozygotes.

Submission:

PreventionGenetics, part of Exact Sciences
Classification: Benign for UACA-related condition. Last evaluated: 2019-04-30. Review status: no assertion criteria provided. Collection method: clinical testing. Allele origin: germline.
Comment: This variant is classified as benign based on ACMG/AMP sequence variant interpretation guidelines (Richards et al. 2015 PMID: 25741868, with internal and published modifications).

NM_018003.4(UACA):c.2601G>A (p.Glu867=)

Gene: UACA (uveal autoantigen with coiled-coil domains and ankyrin repeats; minus strand). Cytogenetic location: 15q23.
Variant type: single nucleotide variant.
Coding change: c.2601G>A on transcript NM_018003.4 (MANE Select); coding-DNA position 2601, G replaced by A.
Protein change: p.Glu867=; no amino-acid change (glutamic acid 867 retained).
Molecular consequence: synonymous variant.
Genome position (GRCh38, 1-based): chr15:70,668,083, C>T on the plus strand (G>A on the coding strand, the complement: UACA is on the minus strand). VCF-style: chr15-70668083-C-T. GRCh37 (hg19) VCF-style: chr15-70960422-C-T.
Other names: c.2562G>A, p.Glu854= (NM_001008224.3).
Identifiers: ClinVar variation 3056943 (VCV003056943.2), dbSNP rs61742861, ClinGen allele CA7636977.